The following is an entry in ClinVar:

NM_001142285.2(RPS24):c.660C>T (p.Ala220=)

Gene: RPS24 (ribosomal protein S24; plus strand). Cytogenetic location: 10q22.3.
Variant type: single nucleotide variant.
Coding change: c.660C>T on transcript NM_001142285.2; coding-DNA position 660, C replaced by T.
Protein change: p.Ala220=; no amino-acid change (alanine 220 retained).
Molecular consequence: synonymous variant.
Genome position (GRCh38, 1-based): chr10:78,054,800, C>T. VCF-style: chr10-78054800-C-T. GRCh37 (hg19) VCF-style: chr10-79814558-C-T.
Identifiers: ClinVar variation 3391586 (VCV003391586.1).

ClinVar aggregate classification (germline): Uncertain significance (1 of 4 stars; one submission).

gnomAD v4.1: 9 of 1,551,670 alleles (0.00058%); highest among the groups gnomAD compares: South Asian, 0.0012%; no homozygotes.

Submission:

GeneDx
Classification: Uncertain significance. Last evaluated: 2024-06-17. Review status: criteria provided, single submitter. Criteria: GeneDx Variant Classification Process June 2021. Collection method: clinical testing. Allele origin: germline. Affected: yes.
Comment: Not observed at significant frequency in large population cohorts (gnomAD); In silico analysis indicates that this missense variant does not alter protein structure/function; Has not been previously published as pathogenic or benign to our knowledge; Reported using an alternate transcript of the gene